The following is an entry in ClinVar:

NM_033026.6(PCLO):c.3102A>C (p.Lys1034Asn)

Gene: PCLO (piccolo presynaptic cytomatrix protein; minus strand). Cytogenetic location: 7q21.11.
Variant type: single nucleotide variant.
Coding change: c.3102A>C on transcript NM_033026.6 (MANE Select); coding-DNA position 3102, A replaced by C.
Protein change: p.Lys1034Asn; replaces lysine 1034 with asparagine.
Molecular consequence: missense variant.
Genome position (GRCh38, 1-based): chr7:83,134,448, T>G on the plus strand (A>C on the coding strand, the complement: PCLO is on the minus strand). VCF-style: chr7-83134448-T-G. GRCh37 (hg19) VCF-style: chr7-82763764-T-G.
Other names: c.3102A>C, p.Lys1034Asn (NM_014510.3); short protein forms K1034N.
Identifiers: ClinVar variation 1395502 (VCV001395502.6), dbSNP rs2116614029, ClinGen allele CA367897513.

ClinVar aggregate classification (germline): Uncertain significance (1 of 4 stars; one submission).

Submission:

Labcorp Genetics (formerly Invitae), Labcorp
Classification: Uncertain significance. Last evaluated: 2021-11-27. Review status: criteria provided, single submitter. Criteria: Invitae Variant Classification Sherloc (09022015). Collection method: clinical testing. Allele origin: germline.
Comment: In summary, the available evidence is currently insufficient to determine the role of this variant in disease. Therefore, it has been classified as a Variant of Uncertain Significance. Algorithms developed to predict the effect of missense changes on protein structure and function are either unavailable or do not agree on the potential impact of this missense change (SIFT: "Deleterious"; PolyPhen-2: "Not Available"; Align-GVGD: "Class C0"). This variant has not been reported in the literature in individuals affected with PCLO-related conditions. This variant is not present in population databases (gnomAD no frequency). This sequence change replaces lysine, which is basic and polar, with asparagine, which is neutral and polar, at codon 1034 of the PCLO protein (p.Lys1034Asn).